The following is an entry in ClinVar:

ClinVar aggregate classification (germline): Conflicting classifications of pathogenicity. Review status: criteria provided, conflicting classifications (1 of 4 stars). 3 submissions from 3 submitters: Uncertain significance (2); Likely benign (1). Last evaluated 2025-05-19.

Conditions:
Hereditary cancer-predisposing syndrome. Also called: Neoplastic Syndromes, Hereditary; Hereditary Cancer Syndrome; Hereditary neoplastic syndrome; Tumor predisposition. Identifiers: Orphanet 140162, MedGen C0027672, MeSH D009386, MONDO:0015356.
Hereditary breast ovarian cancer syndrome. Also called: Hereditary breast and ovarian cancer syndrome (HBOC); Hereditary breast and ovarian cancer syndrome; Breast and ovarian cancer; Hereditary breast and/or ovarian cancer syndrome; Hereditary breast and ovarian cancer; BRCA1- and BRCA2-Associated Hereditary Breast and Ovarian Cancer. Identifiers: Orphanet 145, MedGen C0677776, MeSH D061325, MONDO:0003582. Disease mechanism: loss of function.

gnomAD v4.1: 4 of 1,614,078 alleles (0.00025%); highest among the groups gnomAD compares: East Asian, 0.0067%; no homozygotes.

Submissions (3):

Ambry Genetics
Classification: Likely benign for Hereditary cancer-predisposing syndrome. Last evaluated: 2025-05-19. Review status: criteria provided, single submitter. Criteria: Ambry Variant Classification Scheme 2023. Collection method: clinical testing. Allele origin: germline.

Labcorp Genetics (formerly Invitae), Labcorp
Classification: Uncertain significance for Hereditary breast ovarian cancer syndrome. Last evaluated: 2025-04-27. Review status: criteria provided, single submitter. Criteria: Invitae Variant Classification Sherloc (09022015). Collection method: clinical testing. Allele origin: germline.
Comment: This sequence change replaces valine, which is neutral and non-polar, with isoleucine, which is neutral and non-polar, at codon 2687 of the BRCA2 protein (p.Val2687Ile). This variant is not present in population databases (gnomAD no frequency). This missense change has been observed in individual(s) with breast cancer (PMID: 30287823). ClinVar contains an entry for this variant (Variation ID: 462466). Invitae Evidence Modeling of protein sequence and biophysical properties (such as structural, functional, and spatial information, amino acid conservation, physicochemical variation, residue mobility, and thermodynamic stability) indicates that this missense variant is not expected to disrupt BRCA2 protein function with a negative predictive value of 95%. Experimental studies have shown that this missense change does not substantially affect BRCA2 function (PMID: 37731132). In summary, the available evidence is currently insufficient to determine the role of this variant in disease. Therefore, it has been classified as a Variant of Uncertain Significance.

Color Diagnostics, LLC DBA Color Health
Classification: Uncertain significance for Hereditary cancer-predisposing syndrome. Last evaluated: 2020-03-11. Review status: criteria provided, single submitter. Criteria: ACMG Guidelines, 2015. Collection method: clinical testing. Allele origin: germline.
Comment: This missense variant replaces valine with isoleucine at codon 2687 of the BRCA2 protein. Computational prediction is inconclusive regarding the impact of this variant on protein structure and function (internally defined REVEL score threshold 0.5 < inconclusive < 0.7, PMID: 27666373). Splice site prediction tools suggest that this variant may not impact RNA splicing. To our knowledge, functional studies have not been reported for this variant. This variant has not been reported in individuals affected with hereditary cancer in the literature. This variant has been identified in 1/251220 chromosomes in the general population by the Genome Aggregation Database (gnomAD). The available evidence is insufficient to determine the role of this variant in disease conclusively. Therefore, this variant is classified as a Variant of Uncertain Significance.

Literature cited by the submitters: PubMed 30287823 (cited by Ambry Genetics and Labcorp Genetics (formerly Invitae), Labcorp); PubMed 37731132 (cited by Labcorp Genetics (formerly Invitae), Labcorp).

NM_000059.4(BRCA2):c.8059G>A (p.Val2687Ile)

Gene: BRCA2 (BRCA2 DNA repair associated; plus strand). Cytogenetic location: 13q13.1.
Variant type: single nucleotide variant.
Coding change: c.8059G>A on transcript NM_000059.4 (MANE Select); coding-DNA position 8059, G replaced by A.
Protein change: p.Val2687Ile; replaces valine 2687 with isoleucine.
Molecular consequence: missense variant.
Genome position (GRCh38, 1-based): chr13:32,363,261, G>A. VCF-style: chr13-32363261-G-A. GRCh37 (hg19) VCF-style: chr13-32937398-G-A.
Other names: short protein forms V2687I.
Identifiers: ClinVar variation 462466 (VCV000462466.16), dbSNP rs80359044, ClinGen allele CA387749104.